The following is an entry in ClinVar:

NM_152383.5(DIS3L2):c.2342C>G (p.Ala781Gly)

Gene: DIS3L2 (DIS3 like 3'-5' exoribonuclease 2; plus strand). Cytogenetic location: 2q37.1.
Variant type: single nucleotide variant.
Coding change: c.2342C>G on transcript NM_152383.5 (MANE Select); coding-DNA position 2342, C replaced by G.
Protein change: p.Ala781Gly; replaces alanine 781 with glycine.
Molecular consequence: missense variant. On other transcripts: non-coding transcript variant (2), intron variant (1).
Genome position (GRCh38, 1-based): chr2:232,334,683, C>G. VCF-style: chr2-232334683-C-G. GRCh37 (hg19) VCF-style: chr2-233199393-C-G.
Other names: c.1582-8662C>G (NM_001257281.2); short protein forms A781G.
Identifiers: ClinVar variation 1009735 (VCV001009735.8), dbSNP rs1258800876, ClinGen allele CA350978018.

ClinVar aggregate classification (germline): Uncertain significance (1 of 4 stars; one submission).

Conditions:
Perlman syndrome (PRLMNS). Identifiers: Orphanet 2849, MedGen C0796113, MONDO:0009965, OMIM 267000.

Allele frequency attached by ClinVar (database versions not stated): TOPMed below 0.00001.
gnomAD v4.1: 6 of 1,610,936 alleles (0.00037%); highest among the groups gnomAD compares: Non-Finnish European, 0.00051%; no homozygotes.

Submission:

Labcorp Genetics (formerly Invitae), Labcorp
Classification: Uncertain significance for Perlman syndrome. Last evaluated: 2023-11-08. Review status: criteria provided, single submitter. Criteria: Invitae Variant Classification Sherloc (09022015). Collection method: clinical testing. Allele origin: germline.
Comment: This sequence change replaces alanine, which is neutral and non-polar, with glycine, which is neutral and non-polar, at codon 781 of the DIS3L2 protein (p.Ala781Gly). This variant is not present in population databases (gnomAD no frequency). This variant has not been reported in the literature in individuals affected with DIS3L2-related conditions. ClinVar contains an entry for this variant (Variation ID: 1009735). Advanced modeling of protein sequence and biophysical properties (such as structural, functional, and spatial information, amino acid conservation, physicochemical variation, residue mobility, and thermodynamic stability) performed at Invitae indicates that this missense variant is not expected to disrupt DIS3L2 protein function with a negative predictive value of 80%. In summary, the available evidence is currently insufficient to determine the role of this variant in disease. Therefore, it has been classified as a Variant of Uncertain Significance.